The following is an entry in ClinVar:

ClinVar aggregate classification (germline): Conflicting classifications of pathogenicity. Review status: criteria provided, conflicting classifications (1 of 4 stars). 2 submissions from 2 submitters: Uncertain significance (1); Benign (1). Last evaluated 2025-09-16.

Conditions:
Hereditary cancer-predisposing syndrome. Also called: Hereditary neoplastic syndrome; Hereditary Cancer Syndrome; Neoplastic Syndromes, Hereditary; Tumor predisposition. Identifiers: Orphanet 140162, MedGen C0027672, MeSH D009386, MONDO:0015356.
Familial adenomatous polyposis 2. Also called: MYH-associated polyposis; COLORECTAL ADENOMATOUS POLYPOSIS, AUTOSOMAL RECESSIVE; ADENOMAS, MULTIPLE COLORECTAL, AUTOSOMAL RECESSIVE; MUTYH-related attenuated familial adenomatous polyposis; Adenomas, multiple colorectal; FAP type 2. Identifiers: Orphanet 220460, Orphanet 247798, MedGen C3272841, MONDO:0012041, OMIM 608456.

Allele frequency attached by ClinVar (database versions not stated): gnomAD exomes below 0.00001; TOPMed below 0.00001; ExAC 0.00001.

Submissions (2):

Ambry Genetics
Classification: Benign for Hereditary cancer-predisposing syndrome. Last evaluated: 2025-09-16. Review status: criteria provided, single submitter. Criteria: Ambry Variant Classification Scheme 2023. Collection method: clinical testing. Allele origin: germline.

Labcorp Genetics (formerly Invitae), Labcorp
Classification: Uncertain significance for Familial adenomatous polyposis 2. Last evaluated: 2024-02-26. Review status: criteria provided, single submitter. Criteria: Invitae Variant Classification Sherloc (09022015). Collection method: clinical testing. Allele origin: germline.
Comment: This sequence change replaces alanine, which is neutral and non-polar, with glycine, which is neutral and non-polar, at codon 231 of the MUTYH protein (p.Ala231Gly). This variant is present in population databases (rs781551140, gnomAD 0.003%). This variant has not been reported in the literature in individuals affected with MUTYH-related conditions. ClinVar contains an entry for this variant (Variation ID: 481794). An algorithm developed to predict the effect of missense changes on protein structure and function (PolyPhen-2) suggests that this variant is likely to be tolerated. In summary, the available evidence is currently insufficient to determine the role of this variant in disease. Therefore, it has been classified as a Variant of Uncertain Significance.

NM_001048174.2(MUTYH):c.608C>G (p.Ala203Gly)

Gene: MUTYH (mutY DNA glycosylase; minus strand). Cytogenetic location: 1p34.1.
Variant type: single nucleotide variant.
Coding change: c.608C>G on transcript NM_001048174.2 (MANE Select); coding-DNA position 608, C replaced by G.
Protein change: p.Ala203Gly; replaces alanine 203 with glycine.
Molecular consequence: missense variant. On other transcripts: non-coding transcript variant (2).
Genome position (GRCh38, 1-based): chr1:45,332,487, G>C on the plus strand (C>G on the coding strand, the complement: MUTYH is on the minus strand). VCF-style: chr1-45332487-G-C. GRCh37 (hg19) VCF-style: chr1-45798159-G-C.
Other names: c.608C>G, p.Ala203Gly (NM_001048171.2, NM_001048173.2, NM_001293195.2); c.611C>G, p.Ala204Gly (NM_001048172.2); c.692C>G, p.Ala231Gly (NM_001128425.2); c.653C>G, p.Ala218Gly (NM_001293190.2); c.641C>G, p.Ala214Gly (NM_001293191.2); c.332C>G, p.Ala111Gly (NM_001293192.2, NM_001293196.2); c.263C>G, p.Ala88Gly (NM_001350650.2, NM_001350651.2); c.683C>G, p.Ala228Gly (NM_012222.3); short protein forms A231G, A204G, A88G, A214G, A218G, A111G, A203G, A228G.
Identifiers: ClinVar variation 481794 (VCV000481794.12), dbSNP rs781551140, ClinGen allele CA058713.